The following is an entry in ClinVar:

NM_018139.3(DNAAF2):c.*328A>T

Gene: DNAAF2 (dynein axonemal assembly factor 2; minus strand). Cytogenetic location: 14q21.3.
Variant type: single nucleotide variant.
Coding change: c.*328A>T on transcript NM_018139.3 (MANE Select); 328 bases downstream of the stop codon, A replaced by T.
Molecular consequence: 3 prime UTR variant.
Genome position (GRCh38, 1-based): chr14:49,625,214, T>A on the plus strand (A>T on the coding strand, the complement: DNAAF2 is on the minus strand). VCF-style: chr14-49625214-T-A. GRCh37 (hg19) VCF-style: chr14-50091932-T-A.
Other names: c.*328A>T (NM_001083908.2, NM_001378453.1).
Identifiers: ClinVar variation 313270 (VCV000313270.7), dbSNP rs12160, ClinGen allele CA10640237.

ClinVar aggregate classification (germline): Benign. Review status: criteria provided, multiple submitters, no conflicts (2 of 4 stars). 2 submissions from 2 submitters: Benign (2). Last evaluated 2018-01-12.

Conditions:
Primary ciliary dyskinesia 10. Also called: CILIARY DYSKINESIA, PRIMARY, 10, WITH OR WITHOUT SITUS INVERSUS. Identifiers: Orphanet 244, MedGen C2675867, MONDO:0012918, OMIM 612518.

Allele frequency attached by ClinVar (database versions not stated): gnomAD exomes 0.68732; gnomAD 0.69631 and 0.70946; 1000 Genomes Project 0.54153; 1000 Genomes Project 30x 0.54950; TOPMed 0.68499.
gnomAD v4.1: 110,026 of 157,910 alleles (70%); highest among the groups gnomAD compares: Non-Finnish European, 76%; 39,697 homozygotes.

Submissions (2):

Illumina Laboratory Services, Illumina
Classification: Benign for Primary ciliary dyskinesia 10. Last evaluated: 2018-01-12. Review status: criteria provided, single submitter. Criteria: ICSL Variant Classification Criteria 13 December 2019. Collection method: clinical testing. Allele origin: germline.
Comment: This variant was observed in the ICSL laboratory as part of a predisposition screen in an ostensibly healthy population. It had not been previously curated by ICSL or reported in the Human Gene Mutation Database (HGMD: prior to June 1st, 2018), and was therefore a candidate for classification through an automated scoring system. Utilizing variant allele frequency, disease prevalence and penetrance estimates, and inheritance mode, an automated score was calculated to assess if this variant is too frequent to cause the disease. Based on the score and internal cut-off values, a variant classified as benign is not then subjected to further curation. The score for this variant resulted in a classification of benign for this disease.

Breakthrough Genomics
Classification: Benign. Review status: criteria provided, single submitter. Criteria: ACMG Guidelines, 2015. Collection method: not provided. Allele origin: germline. Inheritance: Autosomal recessive inheritance. Affected: yes.